The following is an entry in ClinVar:

NM_000038.6(APC):c.6636A>C (p.Gln2212His)

Gene: APC (APC regulator of WNT signaling pathway; plus strand). Cytogenetic location: 5q22.2.
Variant type: single nucleotide variant.
Coding change: c.6636A>C on transcript NM_000038.6 (MANE Select); coding-DNA position 6636, A replaced by C.
Protein change: p.Gln2212His; replaces glutamine 2212 with histidine.
Molecular consequence: missense variant. On other transcripts: non-coding transcript variant (2).
Genome position (GRCh38, 1-based): chr5:112,842,230, A>C. VCF-style: chr5-112842230-A-C. GRCh37 (hg19) VCF-style: chr5-112177927-A-C.
Other names: c.6636A>C, p.Gln2212His (NM_001127510.3, NM_001354895.2, NM_001407450.1); c.6582A>C, p.Gln2194His (NM_001127511.3); c.6690A>C, p.Gln2230His (NM_001354896.2, NM_001407447.1, NM_001407448.1 and 1 more transcripts); c.6666A>C, p.Gln2222His (NM_001354897.2); c.6561A>C, p.Gln2187His (NM_001354898.2); c.6552A>C, p.Gln2184His (NM_001354899.2); c.6513A>C, p.Gln2171His (NM_001354900.2); c.6459A>C, p.Gln2153His (NM_001354901.2, NM_001407453.1); and 11 more; short protein forms Q1828H, Q1929H, Q2052H, Q2083H, Q2086H, Q2111H, Q2121H, Q2129H.
Identifiers: ClinVar variation 3070690 (VCV003070690.1), dbSNP rs2149969474, ClinGen allele CA16035845.

ClinVar aggregate classification (germline): Uncertain significance (1 of 4 stars; one submission).

Conditions:
Classic or attenuated familial adenomatous polyposis. Identifiers: MedGen CN372698, MONDO:0021057.

Submission:

All of Us Research Program, National Institutes of Health
Classification: Uncertain significance for Classic or attenuated familial adenomatous polyposis. Last evaluated: 2023-05-04. Review status: criteria provided, single submitter. Criteria: ACMG Guidelines, 2015. Collection method: clinical testing. Allele origin: germline. Inheritance: Autosomal dominant inheritance. Observed: 1 variant allele, 1 heterozygote.
Comment: This missense variant replaces glutamine with histidine at codon 2212 of the APC protein. Computational prediction suggests that this variant may not impact protein structure and function (internally defined REVEL score threshold <= 0.5, PMID: 27666373). To our knowledge, functional studies have not been reported for this variant. This variant has not been reported in individuals affected with APC-related disorders in the literature. This variant has not been identified in the general population by the Genome Aggregation Database (gnomAD). The available evidence is insufficient to determine the role of this variant in disease conclusively. Therefore, this variant is classified as a Variant of Uncertain Significance.

This study involves interpretation of variants in research participants for the purpose of population health screening. Participant phenotype was not available at the time of variant classification. Additional details can be found in publication PMID: 35346344, PMCID: PMC8962531